The following is an entry in ClinVar:

NM_052947.4(ALPK2):c.2011C>A (p.Pro671Thr)

Gene: ALPK2 (alpha kinase 2; minus strand). Cytogenetic location: 18q21.31.
Variant type: single nucleotide variant.
Coding change: c.2011C>A on transcript NM_052947.4 (MANE Select); coding-DNA position 2011, C replaced by A.
Protein change: p.Pro671Thr; replaces proline 671 with threonine.
Molecular consequence: missense variant.
Genome position (GRCh38, 1-based): chr18:58,538,176, G>T on the plus strand (C>A on the coding strand, the complement: ALPK2 is on the minus strand). VCF-style: chr18-58538176-G-T. GRCh37 (hg19) VCF-style: chr18-56205408-G-T.
Other names: short protein forms P671T.
Identifiers: ClinVar variation 2449281 (VCV002449281.2), dbSNP rs2518878252, ClinGen allele CA402571898.
Genomic context (GRCh38, chr18:58,538,176, plus strand): 5'-AGGAAATTGTTGTGGTCCCAGTGAATGGGGACTCCTCCCCAGCAGGCTCTGAGAAAGCTG[G>T]CATCTGGCTGCAAGAGATTGTCTCTCTGACTGTTTCCTGAACTTGTACCTAGGAAGATGA-3'
Protein context (NP_443179.3, residues 661-681): VRETISCSQM[Pro671Thr]AFSEPAGEES

ClinVar aggregate classification (germline): Uncertain significance (1 of 4 stars; one submission).

Submission:

Ambry Genetics
Classification: Uncertain significance. Last evaluated: 2023-02-10. Review status: criteria provided, single submitter. Criteria: Ambry Variant Classification Scheme 2023. Collection method: clinical testing. Allele origin: germline.
Comment: The p.P671T variant (also known as c.2011C>A), located in coding exon 4 of the ALPK2 gene, results from a C to A substitution at nucleotide position 2011. The proline at codon 671 is replaced by threonine, an amino acid with highly similar properties. This amino acid position is conserved. In addition, this alteration is predicted to be tolerated by in silico analysis. Since supporting evidence is limited at this time, the clinical significance of this alteration remains unclear.